The following is an entry in ClinVar:

NM_001844.4(COL2A1):c.-187G>A

Gene: COL2A1 (collagen type II alpha 1 chain; minus strand). Cytogenetic location: 12q13.11.
Variant type: single nucleotide variant.
Coding change: c.-187G>A on transcript NM_001844.4; 187 bases upstream of the start codon, G replaced by A.
Genome position (GRCh38, 1-based): chr12:48,004,508, C>T on the plus strand (G>A on the coding strand, the complement: COL2A1 is on the minus strand). VCF-style: chr12-48004508-C-T. GRCh37 (hg19) VCF-style: chr12-48398291-C-T.
Identifiers: ClinVar variation 369017 (VCV000369017.8), dbSNP rs41317877, ClinGen allele CA10654493.

ClinVar aggregate classification (germline): Benign/Likely benign. Review status: criteria provided, multiple submitters, no conflicts (2 of 4 stars). 2 submissions from 2 submitters: Benign (1); Likely benign (1). Last evaluated 2018-06-16.

Allele frequency attached by ClinVar (database versions not stated): 1000 Genomes Project 30x 0.02405; gnomAD 0.02510 and 0.02383; 1000 Genomes Project 0.02336; TOPMed 0.02699.
gnomAD v4.1: 6,011 of 525,444 alleles (1.1%); highest among the groups gnomAD compares: African/African-American, 7.2%; 154 homozygotes.

Submissions (2):

GeneDx
Classification: Benign. Last evaluated: 2018-06-16. Review status: criteria provided, single submitter. Criteria: GeneDx Variant Classification (06012015). Collection method: clinical testing. Allele origin: germline. Affected: yes.
Comment: This variant is considered likely benign or benign based on one or more of the following criteria: it is a conservative change, it occurs at a poorly conserved position in the protein, it is predicted to be benign by multiple in silico algorithms, and/or has population frequency not consistent with disease.

Breakthrough Genomics
Classification: Likely benign. Review status: criteria provided, single submitter. Criteria: ACMG Guidelines, 2015. Collection method: not provided. Allele origin: germline. Inheritance: Autosomal dominant inheritance. Affected: yes.